The following is an entry in ClinVar:

NM_018389.5(SLC35C1):c.956A>C (p.Lys319Thr)

Gene: SLC35C1 (solute carrier family 35 member C1; plus strand). Cytogenetic location: 11p11.2.
Variant type: single nucleotide variant.
Coding change: c.956A>C on transcript NM_018389.5 (MANE Select); coding-DNA position 956, A replaced by C.
Protein change: p.Lys319Thr; replaces lysine 319 with threonine.
Molecular consequence: missense variant.
Genome position (GRCh38, 1-based): chr11:45,811,196, A>C. VCF-style: chr11-45811196-A-C. GRCh37 (hg19) VCF-style: chr11-45832747-A-C.
Other names: c.917A>C, p.Lys306Thr (NM_001145265.2, NM_001145266.2); short protein forms K306T, K319T.
Identifiers: ClinVar variation 1396277 (VCV001396277.5), dbSNP rs2134598497, ClinGen allele CA380206912.

ClinVar aggregate classification (germline): Uncertain significance (1 of 4 stars; one submission).

Conditions:
Leukocyte adhesion deficiency type II. Also called: CONGENITAL DISORDER OF GLYCOSYLATION, TYPE IIc; CDG IIc; Congenital disorder of glycosylation type 2C; CDG 2C; Leukocyte adhesion deficiency type 2; Rambam Hasharon syndrome. Identifiers: Orphanet 2968, Orphanet 99843, MedGen C0398739, MONDO:0009953, OMIM 266265.

Submission:

Labcorp Genetics (formerly Invitae), Labcorp
Classification: Uncertain significance for Leukocyte adhesion deficiency type II. Last evaluated: 2022-07-25. Review status: criteria provided, single submitter. Criteria: Invitae Variant Classification Sherloc (09022015). Collection method: clinical testing. Allele origin: germline.
Comment: This sequence change replaces lysine, which is basic and polar, with threonine, which is neutral and polar, at codon 319 of the SLC35C1 protein (p.Lys319Thr). This variant has not been reported in the literature in individuals affected with SLC35C1-related conditions. This variant is not present in population databases (gnomAD no frequency). ClinVar contains an entry for this variant (Variation ID: 1396277). Algorithms developed to predict the effect of missense changes on protein structure and function (SIFT, PolyPhen-2, Align-GVGD) all suggest that this variant is likely to be disruptive. In summary, the available evidence is currently insufficient to determine the role of this variant in disease. Therefore, it has been classified as a Variant of Uncertain Significance.